The following is an entry in ClinVar:

NM_003060.4(SLC22A5):c.497+236C>T

Gene: SLC22A5 (solute carrier family 22 member 5; plus strand). Cytogenetic location: 5q31.1.
Variant type: single nucleotide variant.
Coding change: c.497+236C>T on transcript NM_003060.4 (MANE Select); 236 bases into the intron after coding-DNA position 497, C replaced by T.
Molecular consequence: intron variant.
Genome position (GRCh38, 1-based): chr5:132,378,717, C>T. VCF-style: chr5-132378717-C-T. GRCh37 (hg19) VCF-style: chr5-131714409-C-T.
Other names: c.569+236C>T (NM_001308122.2).
Identifiers: ClinVar variation 670572 (VCV000670572.1), dbSNP rs274567, ClinGen allele CA12063689.

ClinVar aggregate classification (germline): Benign (1 of 4 stars; one submission).

Allele frequency attached by ClinVar (database versions not stated): TOPMed 0.35488; gnomAD 0.36490 and 0.37917; gnomAD exomes 0.43072; 1000 Genomes Project 30x 0.44597; 1000 Genomes Project 0.45727.
gnomAD v4.1: 225,845 of 543,876 alleles (42%); highest among the groups gnomAD compares: East Asian, 66%; 50,058 homozygotes.

Submission:

GeneDx
Classification: Benign. Last evaluated: 2018-06-19. Review status: criteria provided, single submitter. Criteria: GeneDx Variant Classification (06012015). Collection method: clinical testing. Allele origin: germline. Affected: yes.
Comment: This variant is considered likely benign or benign based on one or more of the following criteria: it is a conservative change, it occurs at a poorly conserved position in the protein, it is predicted to be benign by multiple in silico algorithms, and/or has population frequency not consistent with disease.